The following is an entry in ClinVar:

NM_206933.4(USH2A):c.6043C>T (p.Leu2015Phe)

Gene: USH2A (usherin; minus strand). Cytogenetic location: 1q41.
Variant type: single nucleotide variant.
Coding change: c.6043C>T on transcript NM_206933.4 (MANE Select); coding-DNA position 6043, C replaced by T.
Protein change: p.Leu2015Phe; replaces leucine 2015 with phenylalanine.
Molecular consequence: missense variant.
Genome position (GRCh38, 1-based): chr1:216,070,107, G>A on the plus strand (C>T on the coding strand, the complement: USH2A is on the minus strand). VCF-style: chr1-216070107-G-A. GRCh37 (hg19) VCF-style: chr1-216243449-G-A.
Other names: short protein forms L2015F.
Identifiers: ClinVar variation 48550 (VCV000048550.14), dbSNP rs370597096, ClinGen allele CA143540.
Genomic context (GRCh38, chr1:216,070,107, plus strand): 5'-ATGCAAACAAAAAGGAAGTTAATAGGGTCTACTCTGTTAAAGGATTGCATTTACCTGTGA[G>A]GTTGCTTGTATTGACAAATTCAGCACTGGCAGAGGGCATGCGGGGTGGACGGGTGCTGTC-3'
Protein context (NP_996816.3, residues 2005-2025): ASAEFVNTSN[Leu2015Phe]TGILTGLLPF

ClinVar aggregate classification (germline): Conflicting classifications of pathogenicity. Review status: criteria provided, conflicting classifications (1 of 4 stars). 5 submissions from 5 submitters: Uncertain significance (1); Likely benign (3). 1 of the submissions does not count toward it. Last evaluated 2025-08-30.

Conditions:
Inborn genetic diseases. Identifiers: MedGen C0950123, MeSH D030342.
Retinitis pigmentosa 39 (RP39). Identifiers: Orphanet 791, MedGen C3151138, MONDO:0013436, OMIM 613809.
Usher syndrome type 2A. Also called: RETINAL DISEASE IN USHER SYNDROME TYPE IIA, MODIFIER OF; USHER SYNDROME, TYPE IIA. Identifiers: Orphanet 231178, Orphanet 886, MedGen C1848634, MONDO:0010169, OMIM 276901.

Allele frequency attached by ClinVar (database versions not stated): gnomAD 0.00003; TOPMed 0.00003; ExAC 0.00004; gnomAD exomes 0.00004 and 0.00006; ESP Exome Variant Server 0.00015.
gnomAD v4.1: 63 of 1,613,816 alleles (0.0039%); highest among the groups gnomAD compares: Middle Eastern, 0.016%; no homozygotes.

Submissions (5):

Ambry Genetics
Classification: Likely benign for Inborn genetic diseases. Last evaluated: 2025-08-30. Review status: criteria provided, single submitter. Criteria: Ambry Variant Classification Scheme 2023. Collection method: clinical testing. Allele origin: germline.

Labcorp Genetics (formerly Invitae), Labcorp
Classification: Likely benign. Last evaluated: 2025-01-28. Review status: criteria provided, single submitter. Criteria: Invitae Variant Classification Sherloc (09022015). Collection method: clinical testing. Allele origin: germline.

Genome-Nilou Lab
Classification: Uncertain significance for Usher syndrome type 2A. Last evaluated: 2021-05-18. Review status: criteria provided, single submitter. Criteria: ACMG Guidelines, 2015. Collection method: clinical testing. Allele origin: germline. Affected: no.

Laboratory for Molecular Medicine, Mass General Brigham Personalized Medicine
Classification: Likely benign. Last evaluated: 2012-11-20. Review status: criteria provided, single submitter. Criteria: LMM Criteria. Collection method: clinical testing. Allele origin: germline. Observed: 1 variant allele.
Comment: Leu2015Phe in exon 30 of USH2A: This variant has been identified in 0.02% (2/860 0) of European American chromosomes from a broad population by the NHLBI Exome S equencing Project. It is not expected to hav e clinical significance due to a lack of conservation across species, including mammals. Of note, guinea pig, dolphin, cow and tenrec have a phenylalanine (Phe ) at this position. Therefore, this variant is likely benign.

Counsyl
Classification: Uncertain significance for Usher syndrome type 2A; Retinitis pigmentosa 39. Last evaluated: 2017-02-08. Review status: no assertion criteria provided. Collection method: clinical testing. Allele origin: unknown. Not counted in ClinVar's aggregate classification.